The following is an entry in ClinVar:

ClinVar aggregate classification (germline): Uncertain significance (1 of 4 stars; one submission).

Conditions:
Epidermolysis bullosa simplex 3, localized or generalized intermediate, with BP230 deficiency (EBS3). Also called: Epidermolysis bullosa simplex due to BP230 deficiency; Epidermolysis bullosa simplex, autosomal recessive 2. Identifiers: Orphanet 412181, MedGen C3809470, MONDO:0014180, OMIM 615425.
Hereditary sensory and autonomic neuropathy type 6. Also called: HSAN VI; Neuropathy, hereditary sensory and autonomic, type VI. Identifiers: Orphanet 314381, MedGen C3539003, MONDO:0013839, OMIM 614653.

Submission:

Labcorp Genetics (formerly Invitae), Labcorp
Classification: Uncertain significance for Epidermolysis bullosa simplex 3, localized or generalized intermediate, with BP230 deficiency; Hereditary sensory and autonomic neuropathy type 6. Last evaluated: 2019-12-08. Review status: criteria provided, single submitter. Criteria: Invitae Variant Classification Sherloc (09022015). Collection method: clinical testing. Allele origin: germline.
Comment: In summary, the available evidence is currently insufficient to determine the role of this variant in disease. Therefore, it has been classified as a Variant of Uncertain Significance. Algorithms developed to predict the effect of missense changes on protein structure and function are either unavailable or do not agree on the potential impact of this missense change (SIFT: "Tolerated"; PolyPhen-2: "Probably Damaging"; Align-GVGD: "Class C0"). This variant has not been reported in the literature in individuals with DST-related conditions. This variant is not present in population databases (ExAC no frequency). This sequence change replaces leucine with valine at codon 1252 of the DST protein (p.Leu1252Val). The leucine residue is moderately conserved and there is a small physicochemical difference between leucine and valine.

NM_001723.7(DST):c.3754C>G (p.Leu1252Val)

Gene: DST (dystonin; minus strand). Cytogenetic location: 6p12.1.
Variant type: single nucleotide variant.
Coding change: c.3754C>G on transcript NM_001723.7 (MANE Plus Clinical); coding-DNA position 3754, C replaced by G.
Protein change: p.Leu1252Val; replaces leucine 1252 with valine.
Molecular consequence: missense variant. On other transcripts: intron variant (10).
Genome position (GRCh38, 1-based): chr6:56,620,280, G>C on the plus strand (C>G on the coding strand, the complement: DST is on the minus strand). VCF-style: chr6-56620280-G-C. GRCh37 (hg19) VCF-style: chr6-56485078-G-C.
Other names: c.4830+4250C>G (NM_001144769.5); c.4929+4250C>G (NM_001374722.1, NM_001374736.1); c.4956+4250C>G (NM_001374734.1); c.4416+4250C>G (NM_001144770.2); c.4296+4250C>G (NM_001374730.1, NM_001386100.1, NM_183380.4 and 1 more transcripts); c.3318+4250C>G (NM_015548.5); short protein forms L1252V.
Identifiers: ClinVar variation 843739 (VCV000843739.10), dbSNP rs2098676600, ClinGen allele CA364571219.